The following is an entry in ClinVar:

NM_181836.6(TMED7):c.47G>A (p.Arg16His)

Genes: TMED7 (transmembrane p24 trafficking protein 7; minus strand), TMED7-TICAM2 (TMED7-TICAM2 readthrough; minus strand), LOC129994401 (ATAC-STARR-seq lymphoblastoid silent region 16254; plus strand). Cytogenetic location: 5q22.3.
Variant type: single nucleotide variant.
Coding change: c.47G>A on transcript NM_181836.6 (MANE Select); coding-DNA position 47, G replaced by A.
Protein change: p.Arg16His; replaces arginine 16 with histidine.
Molecular consequence: missense variant.
Genome position (GRCh38, 1-based): chr5:115,625,746, C>T on the plus strand (G>A on the coding strand, the complement: TMED7 is on the minus strand). VCF-style: chr5-115625746-C-T. GRCh37 (hg19) VCF-style: chr5-114961443-C-T.
Other names: c.47G>A, p.Arg16His (NM_001164468.4, NM_001164469.4); short protein forms R16H.
Identifiers: ClinVar variation 2184685 (VCV002184685.4), dbSNP rs764715529, ClinGen allele CA360714401.
Genomic context (GRCh38, chr5:115,625,746, plus strand): 5'-TCAGAGGCGCCGCCGGGTCCAGGCACCAGTAGCAGCAGTGCGAGCAGCCTGCACCCCCAA[C>T]GGCCCGCGACGGCCGCCCAGCGCTGCGCGGACCCCGGCCGCGGCATCCCGAGAAGGCGGC-3'
Protein context (NP_861974.1, residues 6-26): SAQRWAAVAG[Arg16His]WGCRLLALLL

ClinVar aggregate classification (germline): Uncertain significance (1 of 4 stars; one submission).

Submission:

Labcorp Genetics (formerly Invitae), Labcorp
Classification: Uncertain significance. Last evaluated: 2024-05-15. Review status: criteria provided, single submitter. Criteria: Invitae Variant Classification Sherloc (09022015). Collection method: clinical testing. Allele origin: germline.
Comment: This sequence change replaces arginine, which is basic and polar, with histidine, which is basic and polar, at codon 16 of the TMED7 protein (p.Arg16His). This variant is not present in population databases (gnomAD no frequency). This variant has not been reported in the literature in individuals affected with TMED7-related conditions. ClinVar contains an entry for this variant (Variation ID: 2184685). An algorithm developed to predict the effect of missense changes on protein structure and function (PolyPhen-2) suggests that this variant is likely to be tolerated. In summary, the available evidence is currently insufficient to determine the role of this variant in disease. Therefore, it has been classified as a Variant of Uncertain Significance.